The following is an entry in ClinVar:

NM_000287.4(PEX6):c.340C>T (p.Pro114Ser)

Gene: PEX6 (peroxisomal biogenesis factor 6; minus strand). Cytogenetic location: 6p21.1.
Variant type: single nucleotide variant.
Coding change: c.340C>T on transcript NM_000287.4 (MANE Select); coding-DNA position 340, C replaced by T.
Protein change: p.Pro114Ser; replaces proline 114 with serine.
Molecular consequence: missense variant. On other transcripts: non-coding transcript variant (1).
Genome position (GRCh38, 1-based): chr6:42,978,811, G>A on the plus strand (C>T on the coding strand, the complement: PEX6 is on the minus strand). VCF-style: chr6-42978811-G-A. GRCh37 (hg19) VCF-style: chr6-42946549-G-A.
Other names: c.340C>T, p.Pro114Ser (NM_001316313.2); short protein forms P114S.
Identifiers: ClinVar variation 1415943 (VCV001415943.6), dbSNP rs1561831093, ClinGen allele CA364167066.

ClinVar aggregate classification (germline): Uncertain significance (1 of 4 stars; one submission).

Conditions:
Peroxisome biogenesis disorder. Identifiers: Orphanet 79189, MedGen C1832200, MONDO:0019234. Disease mechanism: loss of function.

Allele frequency attached by ClinVar (database versions not stated): gnomAD exomes below 0.00001 and 0.00001.

Submission:

Labcorp Genetics (formerly Invitae), Labcorp
Classification: Uncertain significance for Peroxisome biogenesis disorder. Last evaluated: 2022-10-03. Review status: criteria provided, single submitter. Criteria: Invitae Variant Classification Sherloc (09022015). Collection method: clinical testing. Allele origin: germline.
Comment: Algorithms developed to predict the effect of missense changes on protein structure and function output the following: SIFT: "Tolerated"; PolyPhen-2: "Benign"; Align-GVGD: "Class C0". The serine amino acid residue is found in multiple mammalian species, which suggests that this missense change does not adversely affect protein function. ClinVar contains an entry for this variant (Variation ID: 1415943). This variant has not been reported in the literature in individuals affected with PEX6-related conditions. This variant is not present in population databases (gnomAD no frequency). This sequence change replaces proline, which is neutral and non-polar, with serine, which is neutral and polar, at codon 114 of the PEX6 protein (p.Pro114Ser). In summary, the available evidence is currently insufficient to determine the role of this variant in disease. Therefore, it has been classified as a Variant of Uncertain Significance.